The following is an entry in ClinVar:

NM_022124.6(CDH23):c.5821G>A (p.Asp1941Asn)

Gene: CDH23 (cadherin related 23; plus strand). Cytogenetic location: 10q22.1.
Variant type: single nucleotide variant.
Coding change: c.5821G>A on transcript NM_022124.6 (MANE Select); coding-DNA position 5821, G replaced by A.
Protein change: p.Asp1941Asn; replaces aspartic acid 1941 with asparagine.
Molecular consequence: missense variant.
Genome position (GRCh38, 1-based): chr10:71,788,940, G>A. VCF-style: chr10-71788940-G-A. GRCh37 (hg19) VCF-style: chr10-73548697-G-A.
Other names: short protein forms D1941N.
Identifiers: ClinVar variation 666806 (VCV000666806.6), dbSNP rs1589421960, ClinGen allele CA377149123.

ClinVar aggregate classification (germline): Uncertain significance. Review status: criteria provided, multiple submitters, no conflicts (2 of 4 stars). 2 submissions from 2 submitters: Uncertain significance (2). Last evaluated 2022-03-21.

Submissions (2):

GeneDx
Classification: Uncertain significance. Last evaluated: 2022-03-21. Review status: criteria provided, single submitter. Criteria: GeneDx Variant Classification Process June 2021. Collection method: clinical testing. Allele origin: germline. Affected: yes.
Comment: Not observed at significant frequency in large population cohorts (gnomAD); In silico analysis supports that this missense variant does not alter protein structure/function; Has not been previously published as pathogenic or benign to our knowledge

Laboratory for Molecular Medicine, Mass General Brigham Personalized Medicine
Classification: Uncertain significance. Last evaluated: 2019-01-04. Review status: criteria provided, single submitter. Criteria: LMM Criteria. Collection method: clinical testing. Allele origin: germline. Observed: 1 variant allele.
Comment: The p.Asp1941Asn (c.5821G>A) variant in CDH23 has not been previously reported i n individuals with hearing loss or Usher syndrome and was absent from large popu lation studies. Computational prediction tools and conservation analysis suggest that the p.Asp1941Asn variant may impact the protein, though this information i s not predictive enough to determine pathogenicity. This variant impacts the fir st base of the exon, which is part of the splice consensus sequence. However, sp lice prediction tools do not suggest an impact to splicing. In summary, the clin ical significance of the p.Asp1941Asn variant is uncertain. ACMG/AMP criteria ap plied: PM2, PP3.